The following is an entry in ClinVar:

NM_002473.6(MYH9):c.4306G>A (p.Ala1436Thr)

Gene: MYH9 (myosin heavy chain 9; minus strand). Cytogenetic location: 22q12.3.
Variant type: single nucleotide variant.
Coding change: c.4306G>A on transcript NM_002473.6 (MANE Select); coding-DNA position 4306, G replaced by A.
Protein change: p.Ala1436Thr; replaces alanine 1436 with threonine.
Molecular consequence: missense variant.
Genome position (GRCh38, 1-based): chr22:36,292,024, C>T on the plus strand (G>A on the coding strand, the complement: MYH9 is on the minus strand). VCF-style: chr22-36292024-C-T. GRCh37 (hg19) VCF-style: chr22-36688070-C-T.
Other names: short protein forms A1436T.
Identifiers: ClinVar variation 164437 (VCV000164437.11), dbSNP rs373912645, ClinGen allele CA177093.

ClinVar aggregate classification (germline): Conflicting classifications of pathogenicity. Review status: criteria provided, conflicting classifications (1 of 4 stars). 4 submissions from 4 submitters: Uncertain significance (3); Likely benign (1). Last evaluated 2024-05-09.

Conditions:
Macrothrombocytopenia and granulocyte inclusions with or without nephritis or sensorineural hearing loss (MATINS). Also called: BLEEDING DISORDER, PLATELET-TYPE, 6; DOHLE LEUKOCYTE INCLUSIONS WITH GIANT PLATELETS; MACROTHROMBOCYTOPENIA WITH LEUKOCYTE INCLUSIONS; SEBASTIAN PLATELET SYNDROME; MACROTHROMBOCYTOPENIA WITH DISPERSED LEUKOCYTIC INCLUSIONS; MACROTHROMBOCYTOPENIA, NEPHRITIS, AND DEAFNESS. Identifiers: Orphanet 182050, MedGen C5200934, MONDO:0015912, OMIM 155100.
Autosomal dominant nonsyndromic hearing loss 17. Also called: Deafness, autosomal dominant 17; Autosomal dominant nonsyndromic deafness 17. Identifiers: Orphanet 90635, MedGen C1863659, MONDO:0011350, OMIM 603622.

Allele frequency attached by ClinVar (database versions not stated): gnomAD 0.00001; gnomAD exomes 0.00001; TOPMed 0.00001; ExAC 0.00002; ESP Exome Variant Server 0.00008.
gnomAD v4.1: 28 of 1,614,082 alleles (0.0017%); highest among the groups gnomAD compares: African/African-American, 0.0027%; no homozygotes.

Submissions (4):

Blueprint Genetics
Classification: Uncertain significance. Last evaluated: 2024-05-09. Review status: criteria provided, single submitter. Criteria: ACMG Guidelines, 2015. Collection method: clinical testing. Allele origin: germline.

Labcorp Genetics (formerly Invitae), Labcorp
Classification: Likely benign. Last evaluated: 2023-10-13. Review status: criteria provided, single submitter. Criteria: Invitae Variant Classification Sherloc (09022015). Collection method: clinical testing. Allele origin: germline.

Fulgent Genetics
Classification: Uncertain significance for Macrothrombocytopenia and granulocyte inclusions with or without nephritis or sensorineural hearing loss; Autosomal dominant nonsyndromic hearing loss 17. Last evaluated: 2022-04-14. Review status: criteria provided, single submitter. Criteria: ACMG Guidelines, 2015. Collection method: clinical testing. Allele origin: unknown.

Laboratory for Molecular Medicine, Mass General Brigham Personalized Medicine
Classification: Uncertain significance. Last evaluated: 2013-11-05. Review status: criteria provided, single submitter. Criteria: LMM Criteria. Collection method: clinical testing. Allele origin: germline. Observed: 1 variant allele.
Comment: Variant classified as Uncertain Significance - Favor Benign. The Ala1436Thr vari ant in MYH9 has not been reported in individuals with hearing loss, but has been identified in 1/4406 African American chromosomes by the NHLBI Exome Sequencing Project (dbSNP rs373912645). Computational analyses (biochemical amino acid properties, conservation, AlignGVGD, PolyPhen2, and SIFT) suggest that the Ala1436Thr variant may not impact the protein, thoug h this information is not predictive enough to rule out pathogenicity. In summa ry, the clinical significance of this variant cannot be determined with certaint y; however based upon the conservation and computational data, we would lean tow ards a more likely benign role.